The following is an entry in ClinVar:

NM_006118.4(HAX1):c.85C>T (p.Arg29Ter)

Gene: HAX1 (HCLS1 associated protein X-1; plus strand). Cytogenetic location: 1q21.3.
Variant type: single nucleotide variant.
Coding change: c.85C>T on transcript NM_006118.4 (MANE Select); coding-DNA position 85, C replaced by T.
Protein change: p.Arg29Ter; replaces arginine 29 with a stop codon.
Molecular consequence: nonsense. On other transcripts: intron variant (1).
Genome position (GRCh38, 1-based): chr1:154,273,367, C>T. VCF-style: chr1-154273367-C-T. GRCh37 (hg19) VCF-style: chr1-154245843-C-T.
Other names: c.54-113C>T (NM_001018837.2); short protein forms R29*.
Identifiers: ClinVar variation 2981323 (VCV002981323.5), dbSNP rs2524930259, ClinGen allele CA342591256.
Genomic context (GRCh38, chr1:154,273,367, plus strand): 5'-ATTGGTGGCCAATCTGCCTCCACTCTCAGCCACAGAGATCCCTTTTTTGGAGGGATGACT[C>T]GAGATGAAGATGATGATGAGGAAGAAGAAGAAGAAGGGGGCTCATGGGGCCGTGGGAACC-3'

ClinVar aggregate classification (germline): Pathogenic/Likely pathogenic. Review status: criteria provided, multiple submitters, no conflicts (2 of 4 stars). 2 submissions from 2 submitters: Pathogenic (1); Likely pathogenic (1). Last evaluated 2026-01-20.

Conditions:
Kostmann syndrome (SCN3). Also called: KOSTMANN DISEASE; Autosomal recessive severe congenital neutropenia type 3. Identifiers: Orphanet 99749, MedGen C5235141, MONDO:0012548, OMIM 610738.

Allele frequency attached by ClinVar (database versions not stated): gnomAD exomes below 0.00001.

Submissions (2):

Natera, Inc.
Classification: Likely pathogenic for Autosomal recessive severe congenital neutropenia type 3. Last evaluated: 2026-01-20. Review status: criteria provided, single submitter. Criteria: Natera Variant Classification Schema (03/2026). Collection method: clinical testing. Allele origin: germline.
Comment: The c.85C>T variant in HAX1 is a nonsense variant predicted to introduce a stop codon at amino acid 29. This variant is expected to result in nonsense mediated decay, truncation, or a dysfunctional protein product. This variant is rare in the general population with a frequency below the threshold expected for the associated phenotype(s). Given the available evidence, this variant is classified as Likely Pathogenic.

Labcorp Genetics (formerly Invitae), Labcorp
Classification: Pathogenic for Kostmann syndrome. Last evaluated: 2023-07-07. Review status: criteria provided, single submitter. Criteria: Invitae Variant Classification Sherloc (09022015). Collection method: clinical testing. Allele origin: germline.
Comment: This sequence change creates a premature translational stop signal (p.Arg29*) in the HAX1 gene. It is expected to result in an absent or disrupted protein product. Loss-of-function variants in HAX1 are known to be pathogenic (PMID: 17187068). This variant is not present in population databases (gnomAD no frequency). This variant has not been reported in the literature in individuals affected with HAX1-related conditions. For these reasons, this variant has been classified as Pathogenic.

Literature cited by the submitters: PubMed 17187068 (cited by Labcorp Genetics (formerly Invitae), Labcorp).